The following is an entry in ClinVar:

NM_000430.4(PAFAH1B1):c.152del (p.Leu51fs)

Gene: PAFAH1B1 (platelet activating factor acetylhydrolase 1b regulatory subunit 1; plus strand). Cytogenetic location: 17p13.3.
Variant type: Deletion.
Coding change: c.152del on transcript NM_000430.4 (MANE Select); coding-DNA position 152, one base deleted (T; older notation c.152delT).
Protein change: p.Leu51fs; shifts the reading frame from leucine 51.
Molecular consequence: frameshift variant.
Genome position (GRCh38, 1-based): chr17:2,666,050, T deleted; the last of 4 consecutive T bases (chr17:2,666,047-2,666,050); deleting any one gives the same sequence. VCF-style (leftmost placement, unchanged base first): chr17-2666046-CT-C. GRCh37 (hg19) VCF-style: chr17-2569340-CT-C.
Other names: short protein forms L51fs.
Identifiers: ClinVar variation 159506 (VCV000159506.10), dbSNP rs587784253, ClinGen allele CA272387.

ClinVar aggregate classification (germline): Pathogenic. Review status: criteria provided, multiple submitters, no conflicts (2 of 4 stars). 2 submissions from 2 submitters: Pathogenic (2). Last evaluated 2022-04-16.

Conditions:
Lissencephaly due to LIS1 mutation (LIS1). Also called: PAFAH1B1-Associated Lissencephaly/Subcortical Band Heterotopia; PAFAH1B1-Related Lissencephaly/Subcortical Band Heterotopia; Isolated Lissencephaly Sequence. Identifiers: Orphanet 95232, MedGen C4749301, MONDO:0011830, OMIM 607432.

Submissions (2):

Labcorp Genetics (formerly Invitae), Labcorp
Classification: Pathogenic. Last evaluated: 2022-04-16. Review status: criteria provided, single submitter. Criteria: Invitae Variant Classification Sherloc (09022015). Collection method: clinical testing. Allele origin: germline.
Comment: ClinVar contains an entry for this variant (Variation ID: 159506). This variant has not been reported in the literature in individuals affected with PAFAH1B1-related conditions. This variant is not present in population databases (gnomAD no frequency). This sequence change creates a premature translational stop signal (p.Leu51Trpfs*18) in the PAFAH1B1 gene. It is expected to result in an absent or disrupted protein product. Loss-of-function variants in PAFAH1B1 are known to be pathogenic (PMID: 1671808, 11115846, 14581661). For these reasons, this variant has been classified as Pathogenic.

Genetic Services Laboratory, University of Chicago
Classification: Pathogenic for Lissencephaly 1. Last evaluated: 2013-02-08. Review status: criteria provided, single submitter. Criteria: ACMG Guidelines, 2007. Collection method: clinical testing. Allele origin: germline. Inheritance: Autosomal dominant inheritance. Affected: yes.

Literature cited by the submitters: PubMed 1671808 (cited by Labcorp Genetics (formerly Invitae), Labcorp); PubMed 11115846 (cited by Labcorp Genetics (formerly Invitae), Labcorp); PubMed 14581661 (cited by Labcorp Genetics (formerly Invitae), Labcorp).